The following is an entry in ClinVar:

NM_001349253.2(SCN11A):c.1591A>G (p.Ile531Val)

Gene: SCN11A (sodium voltage-gated channel alpha subunit 11; minus strand). Cytogenetic location: 3p22.2.
Variant type: single nucleotide variant.
Coding change: c.1591A>G on transcript NM_001349253.2 (MANE Select); coding-DNA position 1591, A replaced by G.
Protein change: p.Ile531Val; replaces isoleucine 531 with valine.
Molecular consequence: missense variant.
Genome position (GRCh38, 1-based): chr3:38,905,204, T>C on the plus strand (A>G on the coding strand, the complement: SCN11A is on the minus strand). VCF-style: chr3-38905204-T-C. GRCh37 (hg19) VCF-style: chr3-38946695-T-C.
Other names: c.1591A>G, p.Ile531Val (NM_014139.3); short protein forms I531V.
Identifiers: ClinVar variation 541584 (VCV000541584.8), dbSNP rs1553638792, ClinGen allele CA352166159.

ClinVar aggregate classification (germline): Uncertain significance. Review status: criteria provided, multiple submitters, no conflicts (2 of 4 stars). 2 submissions from 2 submitters: Uncertain significance (2). Last evaluated 2022-11-08.

Conditions:
Inborn genetic diseases. Identifiers: MedGen C0950123, MeSH D030342.
Hereditary sensory and autonomic neuropathy type 7. Also called: Neuropathy, hereditary sensory and autonomic, type VII; HSAN VII. Identifiers: Orphanet 391397, MedGen C3809882, MONDO:0014244, OMIM 615548.
Familial episodic pain syndrome with predominantly lower limb involvement. Also called: Episodic pain syndrome, familial, 3. Identifiers: Orphanet 391384, Orphanet 391392, MedGen C3809899, MONDO:0014247, OMIM 615552.

Submissions (2):

Ambry Genetics
Classification: Uncertain significance for Inborn genetic diseases. Last evaluated: 2022-11-08. Review status: criteria provided, single submitter. Criteria: Ambry Variant Classification Scheme 2023. Collection method: clinical testing. Allele origin: germline.

Labcorp Genetics (formerly Invitae), Labcorp
Classification: Uncertain significance for Familial episodic pain syndrome with predominantly lower limb involvement; Hereditary sensory and autonomic neuropathy type 7. Last evaluated: 2019-05-10. Review status: criteria provided, single submitter. Criteria: Invitae Variant Classification Sherloc (09022015). Collection method: clinical testing. Allele origin: germline.
Comment: This sequence change replaces isoleucine with valine at codon 531 of the SCN11A protein (p.Ile531Val). The isoleucine residue is highly conserved and there is a small physicochemical difference between isoleucine and valine. This variant is not present in population databases (ExAC no frequency). This variant has not been reported in the literature in individuals with SCN11A-related disease. Algorithms developed to predict the effect of missense changes on protein structure and function (SIFT, PolyPhen-2, Align-GVGD) all suggest that this variant is likely to be disruptive, but these predictions have not been confirmed by published functional studies and their clinical significance is uncertain. In summary, the available evidence is currently insufficient to determine the role of this variant in disease. Therefore, it has been classified as a Variant of Uncertain Significance.